The following is an entry in ClinVar:

ClinVar aggregate classification (germline): Uncertain significance (1 of 4 stars; one submission).

Conditions:
DNAJC3-related disorder. Also called: DNAJC3-related condition.

gnomAD v4.1: 122 of 1,596,068 alleles (0.0076%); highest among the groups gnomAD compares: Non-Finnish European, 0.0096%; no homozygotes.

Submission:

PreventionGenetics, part of Exact Sciences
Classification: Uncertain significance for DNAJC3-related condition. Last evaluated: 2026-06-10. Review status: criteria provided, single submitter. Criteria: ACMG Guidelines, 2015. Collection method: clinical testing. Allele origin: germline.
Comment: The DNAJC3 c.365A>G variant is predicted to result in the amino acid substitution p.Asp122Gly. To our knowledge, this variant has not been reported in the literature. This variant is reported in 0.012% of alleles in individuals of African descent in gnomAD. At this time, the clinical significance of this variant is uncertain due to the absence of conclusive functional and genetic evidence.

NM_006260.5(DNAJC3):c.365A>G (p.Asp122Gly)

Gene: DNAJC3 (DnaJ heat shock protein family (Hsp40) member C3; plus strand). Cytogenetic location: 13q32.1.
Variant type: single nucleotide variant.
Coding change: c.365A>G on transcript NM_006260.5 (MANE Select); coding-DNA position 365, A replaced by G.
Protein change: p.Asp122Gly; replaces aspartic acid 122 with glycine.
Molecular consequence: missense variant.
Genome position (GRCh38, 1-based): chr13:95,725,224, A>G. VCF-style: chr13-95725224-A-G. GRCh37 (hg19) VCF-style: chr13-96377478-A-G.
Other names: short protein forms D122G.
Identifiers: ClinVar variation 4979690 (VCV004979690.1).
Genomic context (GRCh38, chr13:95,725,224, plus strand): 5'-CCCTTTTTTTCTAGGCAAGATTACAGAGAGGTCACTTATTACTCAAACAAGGAAAACTTG[A>G]TGAAGCAGAAGATGATTTTAAAAAAGTGGTAAGTTCAATATGTATTTGACTCTAGGAAGA-3'
Protein context (NP_006251.1, residues 112-132): GHLLLKQGKL[Asp122Gly]EAEDDFKKVL